The following is an entry in ClinVar:

NM_152490.5(B3GALNT2):c.896A>G (p.His299Arg)

Gene: B3GALNT2 (beta-1,3-N-acetylgalactosaminyltransferase 2; minus strand). Cytogenetic location: 1q42.3.
Variant type: single nucleotide variant.
Coding change: c.896A>G on transcript NM_152490.5 (MANE Select); coding-DNA position 896, A replaced by G.
Protein change: p.His299Arg; replaces histidine 299 with arginine.
Molecular consequence: missense variant.
Genome position (GRCh38, 1-based): chr1:235,458,732, T>C on the plus strand (A>G on the coding strand, the complement: B3GALNT2 is on the minus strand). VCF-style: chr1-235458732-T-C. GRCh37 (hg19) VCF-style: chr1-235622040-T-C.
Other names: short protein forms H299R.
Identifiers: ClinVar variation 572369 (VCV000572369.3), dbSNP rs955249712, ClinGen allele CA39609961.

ClinVar aggregate classification (germline): Uncertain significance (1 of 4 stars; one submission).

Conditions:
Muscular dystrophy-dystroglycanopathy (congenital with brain and eye anomalies), type a, 11 (MDDGA11). Also called: WALKER-WARBURG SYNDROME OR MUSCLE-EYE-BRAIN DISEASE, B3GALNT2-RELATED; Congenital muscular dystrophy-dystroglycanopathy with brain and eye anomalies, type A11; Muscular dystrophy-dystroglycanopathy (congenital with brain and eye anomalies, type A, 11. Identifiers: Orphanet 588, Orphanet 899, MedGen C3554638, MONDO:0014071, OMIM 615181.

Submission:

Labcorp Genetics (formerly Invitae), Labcorp
Classification: Uncertain significance for Muscular dystrophy-dystroglycanopathy (congenital with brain and eye anomalies), type a, 11. Last evaluated: 2021-08-28. Review status: criteria provided, single submitter. Criteria: Invitae Variant Classification Sherloc (09022015). Collection method: clinical testing. Allele origin: germline.
Comment: This sequence change replaces histidine with arginine at codon 299 of the B3GALNT2 protein (p.His299Arg). The histidine residue is moderately conserved and there is a small physicochemical difference between histidine and arginine. This variant is not present in population databases (ExAC no frequency). This variant has not been reported in the literature in individuals affected with B3GALNT2-related conditions. Algorithms developed to predict the effect of missense changes on protein structure and function (SIFT, PolyPhen-2, Align-GVGD) all suggest that this variant is likely to be tolerated. In summary, the available evidence is currently insufficient to determine the role of this variant in disease. Therefore, it has been classified as a Variant of Uncertain Significance.